The following is an entry in ClinVar:

NM_000719.7(CACNA1C):c.1552C>T (p.Arg518Cys)

Gene: CACNA1C (calcium voltage-gated channel subunit alpha1 C; plus strand). Cytogenetic location: 12p13.33.
Variant type: single nucleotide variant.
Coding change: c.1552C>T on transcript NM_000719.7 (MANE Select); coding-DNA position 1552, C replaced by T.
Protein change: p.Arg518Cys; replaces arginine 518 with cysteine.
Molecular consequence: missense variant.
Genome position (GRCh38, 1-based): chr12:2,566,465, C>T. VCF-style: chr12-2566465-C-T. GRCh37 (hg19) VCF-style: chr12-2675631-C-T.
Other names: p.R518C:CGC>TGC; c.1552C>T, p.Arg518Cys (NM_001129838.2, NM_001129839.2, NM_001129840.2 and 18 more transcripts); c.1543C>T, p.Arg515Cys (NM_001129844.2); short protein forms R518C, R515C.
Identifiers: ClinVar variation 190642 (VCV000190642.26), dbSNP rs786205748, ClinGen allele CA301308.

ClinVar aggregate classification (germline): Pathogenic/Likely pathogenic. Review status: criteria provided, multiple submitters, no conflicts (2 of 4 stars). 9 submissions from 9 submitters: Pathogenic (7); Likely pathogenic (1). 1 of the submissions does not count toward it. Last evaluated 2026-03-06.

Conditions:
Long QT syndrome 8. Identifiers: MedGen CN260585, MONDO:0032756, OMIM 618447.
CACNA1C-related disorder. Also called: CACNA1C-related disorders; CACNA1C-related condition. Identifiers: MedGen CN381092, MONDO:0700321.
Cardiac arrhythmia. Also called: Cardiac rhythm disease; Arrhythmia. Identifiers: MedGen C0003811, MONDO:0007263, HP:0011675.
Cardiovascular phenotype. Identifiers: MedGen CN230736.
Long QT syndrome (LQTS). Identifiers: MedGen C0023976, MeSH D008133, MONDO:0002442. Disease mechanism: loss of function. Inheritance: Various modes of inheritance.
Timothy syndrome (TS). Also called: LONG QT SYNDROME WITH SYNDACTYLY. Identifiers: Orphanet 65283, MedGen C1832916, MeSH C536962, MONDO:0010979, OMIM 601005.

Allele frequency attached by ClinVar (database versions not stated): gnomAD exomes below 0.00001; TOPMed below 0.00001.

Submissions (9):

Victorian Clinical Genetics Services, Murdoch Childrens Research Institute
Classification: Pathogenic for Long QT syndrome 8. Last evaluated: 2026-03-06. Review status: criteria provided, single submitter. Criteria: ACMG Guidelines, 2015. Collection method: clinical testing. Allele origin: germline. Affected: yes.
Comment: This variant is classified as Pathogenic. Evidence in support of pathogenic classification: Variant is present in gnomAD <0.001 for a dominant condition (v4: 1 heterozygote(s), 0 homozygote(s)); This variant has strong previous evidence of pathogenicity in unrelated individuals. This variant has been classified as pathogenic and likely pathogenic, and has been reported in multiple patients with HCM, LQTS, congenital heart defects and sudden cardiac death (VCGS, LOVD, ClinVar, PMID: 30513141, 29071820, 30984024, 32161207); This variant has moderate functional evidence supporting abnormal protein function. Transfected HEK293 cells have demonstrated both loss of function and gain of function effects on protein function, including slowed channel inactivation (PMID: 30513141); Other missense variants comparable to the one identified in this case have strong previous evidence for pathogenicity. p.(Arg518Ser) and p.(Arg518His) have been reported as likely pathogenic and pathogenic, and have been observed in multiple patients with hypertrophic cardiomyopathy (HCM) and Long QT syndrome (LQTS) (ClinVar, LOVD, PMID: 30513141, 30025578, 32161207); Missense variant predicted to be damaging by in silico tool(s) or highly conserved with a major amino acid change. Additional information: Variant is predicted to result in a missense amino acid change from arginine to cysteine; This variant is heterozygous; This gene is associated with autosomal dominant disease; Alternative amino acid change(s) at the same position are present in gnomAD (Highest alelle count: v4: 3 heterozygote(s), 0 homozygote(s)); Variant is located in the annotated I-II cytoplasmic linker region (PMID: 30513141); Loss of function and gain of function are known mechanisms of disease in this gene. Loss-of-function variants are associated with neurodevelopmental disorder with hypotonia, language delay, and skeletal defects with or without seizures, AD (MIM#620029) (PMID: 34163037). Gain-of-function missense variants result in loss of channel inactivation and increased current, and are associated with long QT syndrome 8 (MIM#618447) and Timothy syndrome (MIM#601005, PMID: 25260352); Variants in this gene are known to have variable expressivity. Parents with the same variant as their affected child have been observed to have a less severe phenotype (PMID: 34163037).

Labcorp Genetics (formerly Invitae), Labcorp
Classification: Pathogenic for Long QT syndrome. Last evaluated: 2026-01-10. Review status: criteria provided, single submitter. Criteria: Invitae Variant Classification Sherloc (09022015). Collection method: clinical testing. Allele origin: germline.
Comment: This sequence change replaces arginine, which is basic and polar, with cysteine, which is neutral and slightly polar, at codon 518 of the CACNA1C protein (p.Arg518Cys). This variant is not present in population databases (gnomAD no frequency). This missense change has been observed in individual(s) with long QT syndrome (LQTS), hypertrophic cardiomyopathy (HCM) and septal defects (CHD) (PMID: 26253506; internal data). It has also been observed to segregate with disease in related individuals. ClinVar contains an entry for this variant (Variation ID: 190642). Invitae Evidence Modeling of protein sequence and biophysical properties (such as structural, functional, and spatial information, amino acid conservation, physicochemical variation, residue mobility, and thermodynamic stability) indicates that this missense variant is expected to disrupt CACNA1C protein function with a positive predictive value of 95%. Experimental studies have shown that this missense change affects CACNA1C function (PMID: 26253506). For these reasons, this variant has been classified as Pathogenic.

Women's Health and Genetics/Laboratory Corporation of America, LabCorp
Classification: Pathogenic for Cardiac arrhythmia. Last evaluated: 2025-12-31. Review status: criteria provided, single submitter. Criteria: LabCorp Variant Classification Summary - May 2015. Collection method: clinical testing. Allele origin: germline.
Comment: Variant summary: CACNA1C c.1552C>T (p.Arg518Cys) results in a non-conservative amino acid change in the encoded protein sequence. Algorithms developed to predict the effect of missense changes on protein structure and function all suggest that this variant is likely to be disruptive. The variant was absent in 219196 control chromosomes (gnomAD). c.1552C>T has been observed in multiple individuals affected with Long QT Syndrome, Hypertrophic Cardiomyopathy, Atrial Fibrillation, and/or Arrhythmia (e.g. Boczek_2015, Gakenheimer-Smith_2021). These data indicate that the variant is very likely to be associated with disease. A different variant affecting the same codon has been classified as pathogenic by our lab (c.1553G>A, p.Arg518His), supporting the critical relevance of codon 518 to CACNA1C protein function. At least one publication reports experimental evidence evaluating an impact on protein function, showing a damaging effect of the variant (Boczek_2015). The following publications have been ascertained in the context of this evaluation (PMID: 26253506, 33797204). ClinVar contains an entry for this variant (Variation ID: 190642). Based on the evidence outlined above, the variant was classified as pathogenic.

Ambry Genetics
Classification: Pathogenic for Cardiovascular phenotype. Last evaluated: 2025-10-23. Review status: criteria provided, single submitter. Criteria: Ambry Variant Classification Scheme 2023. Collection method: clinical testing. Allele origin: germline.
Comment: The p.R518C pathogenic mutation (also known as c.1552C>T), located in coding exon 12 of the CACNA1C gene, results from a C to T substitution at nucleotide position 1552. The arginine at codon 518 is replaced by cysteine, an amino acid with highly dissimilar properties. This alteration has been reported in multiple unrelated probands with mixed cardiac phenotypes, including long QT syndrome, hypertrophic cardiomyopathy, cardiac conduction defects, and congenital heart disease, and it has been reported to segregate with disease in several families (Boczek NJ et al. Circ Arrhythm Electrophysiol, 2015 Oct;8:1122-32; Seo SH et al. Ann Lab Med, 2018 Jan;38:54-58; Korkosh VS et al. Front Physiol, 2019 Mar;10:335; Fukuyama M et al. Circ J, 2020 03;84:559-568; GeneDx pers comm; Invitae pers comm; Ambry internal data). Functional studies performed in vitro indicate that R518C leads to a decrease in peak channel current density but an increase in the late calcium current (Boczek NJ et al. Circ Arrhythm Electrophysiol, 2015 Oct;8:1122-32; Estes SI et al. Circ Genom Precis Med, 2019 08;12:e002534). Another pathogenic alteration, p.R518H, has been described in the same codon (Boczek NJ et al. Circ Arrhythm Electrophysiol, 2015 Oct;8:1122-32). Based on the supporting evidence, this alteration is interpreted as a disease-causing mutation.

GeneDx
Classification: Pathogenic. Last evaluated: 2025-02-28. Review status: criteria provided, single submitter. Criteria: GeneDx Variant Classification Process June 2021. Collection method: clinical testing. Allele origin: germline. Affected: yes.
Comment: Not observed at significant frequency in large population cohorts (gnomAD); In silico analysis supports that this missense variant has a deleterious effect on protein structure/function; Whole cell patch clamp studies revealed a complex phenotype, including loss of current density and inactivation in combination with increased window and late current (PMID: 26253506); This variant is associated with the following publications: (PMID: 27390944, 30513141, 30172029, 30345660, 32161207, 29071820, 26253506, 30984024, 30681346, 31430211, 33797204, 35862440, Tikhonov2019[Review], 36454463, Vandendriessche2020[Review], 34079780, 33746731, 30025578, 30584231, 34714385)

Blueprint Genetics
Classification: Pathogenic for CACNA1C-related disorders. Last evaluated: 2024-09-09. Review status: criteria provided, single submitter. Criteria: ACMG Guidelines, 2015. Collection method: clinical testing. Allele origin: germline. Affected: yes. Observed: 5 variant alleles.

3billion
Classification: Pathogenic for Timothy syndrome. Last evaluated: 2023-06-30. Review status: criteria provided, single submitter. Criteria: ACMG Guidelines, 2015. Collection method: clinical testing. Allele origin: germline. Affected: yes.
Comment: The variant is not observed in the gnomAD v2.1.1 dataset. Predicted Consequence/Location: Missense changes are a common disease-causing mechanism. Functional studies provide moderate evidence of the variant having a damaging effect on the gene or gene product (PMID: 26253506). In silico tool predictions suggest damaging effect of the variant on gene or gene product (REVEL: 0.88; 3Cnet: 0.86). Same nucleotide change resulting in same amino acid change (ClinVar ID: VCV000190642 /PMID: 26253506) and a different missense change at the same codon (p.Arg518His / ClinVar ID: VCV000372313 /PMID: 26253506) have been previously reported as pathogenic/likely pathogenic with strong evidence. Therefore, this variant is classified as Pathogenic according to the recommendation of ACMG/AMP guideline.

Stanford Center for Inherited Cardiovascular Disease, Stanford University
Classification: Likely pathogenic. Last evaluated: 2016-04-14. Review status: criteria provided, single submitter. Criteria: ACMG Guidelines, 2015. Collection method: provider interpretation. Allele origin: germline.

OMIM
Classification: Pathogenic for TIMOTHY SYNDROME. Last evaluated: 2022-09-29. Review status: no assertion criteria provided. Collection method: literature only. Allele origin: germline. Not counted in ClinVar's aggregate classification.

Literature cited by the submitters: PubMed 25260352 (cited by Victorian Clinical Genetics Services, Murdoch Childrens Research Institute); PubMed 29071820 (cited by Victorian Clinical Genetics Services, Murdoch Childrens Research Institute and Ambry Genetics); PubMed 30984024 (cited by Victorian Clinical Genetics Services, Murdoch Childrens Research Institute and Ambry Genetics); PubMed 32161207 (cited by Victorian Clinical Genetics Services, Murdoch Childrens Research Institute and Ambry Genetics); PubMed 30025578 (cited by Victorian Clinical Genetics Services, Murdoch Childrens Research Institute); PubMed 34163037 (cited by Victorian Clinical Genetics Services, Murdoch Childrens Research Institute); PubMed 30513141 (cited by Victorian Clinical Genetics Services, Murdoch Childrens Research Institute); PubMed 26253506 (cited by 5 submitters); PubMed 33797204 (cited by Women's Health and Genetics/Laboratory Corporation of America, LabCorp); PubMed 31430211 (cited by Ambry Genetics).